The following is an entry in ClinVar:

NM_000540.3(RYR1):c.3517G>A (p.Gly1173Ser)

Gene: RYR1 (ryanodine receptor 1; plus strand). Cytogenetic location: 19q13.2.
Variant type: single nucleotide variant.
Coding change: c.3517G>A on transcript NM_000540.3 (MANE Select); coding-DNA position 3517, G replaced by A.
Protein change: p.Gly1173Ser; replaces glycine 1173 with serine.
Molecular consequence: missense variant.
Genome position (GRCh38, 1-based): chr19:38,469,101, G>A. VCF-style: chr19-38469101-G-A. GRCh37 (hg19) VCF-style: chr19-38959741-G-A.
Other names: c.3517G>A, p.Gly1173Ser (NM_001042723.2); short protein forms G1173S.
Identifiers: ClinVar variation 3636227 (VCV003636227.2).
Genomic context (GRCh38, chr19:38,469,101, plus strand): 5'-GACCTCACAGAGAACACCATTATCTTCACCCTCAATGGCGAGGTCCTCATGTCTGACTCA[G>A]GCTCCGAAACAGCCTTCCGGGAGATTGAGATTGGGGACGGTGAGGGCTGAGACCCCTTCA-3'
Protein context (NP_000531.2, residues 1163-1183): LNGEVLMSDS[Gly1173Ser]SETAFREIEI

ClinVar aggregate classification (germline): Uncertain significance (1 of 4 stars; one submission).

Conditions:
RYR1-related disorder. Also called: RYR1-related condition; RYR1-related disorders. Identifiers: MedGen CN239331.

Submission:

Labcorp Genetics (formerly Invitae), Labcorp
Classification: Uncertain significance for RYR1-related disorder. Last evaluated: 2024-05-23. Review status: criteria provided, single submitter. Criteria: Invitae Variant Classification Sherloc (09022015). Collection method: clinical testing. Allele origin: germline.
Comment: This sequence change replaces glycine, which is neutral and non-polar, with serine, which is neutral and polar, at codon 1173 of the RYR1 protein (p.Gly1173Ser). This variant is not present in population databases (gnomAD no frequency). This variant has not been reported in the literature in individuals affected with RYR1-related conditions. Advanced modeling of protein sequence and biophysical properties (such as structural, functional, and spatial information, amino acid conservation, physicochemical variation, residue mobility, and thermodynamic stability) performed at Invitae indicates that this missense variant is expected to disrupt RYR1 protein function with a positive predictive value of 80%. In summary, the available evidence is currently insufficient to determine the role of this variant in disease. Therefore, it has been classified as a Variant of Uncertain Significance.